The following is an entry in ClinVar:

NM_002691.4(POLD1):c.2360C>T (p.Pro787Leu)

Gene: POLD1 (DNA polymerase delta 1, catalytic subunit; plus strand). Cytogenetic location: 19q13.33.
Variant type: single nucleotide variant.
Coding change: c.2360C>T on transcript NM_002691.4 (MANE Select); coding-DNA position 2360, C replaced by T.
Protein change: p.Pro787Leu; replaces proline 787 with leucine.
Molecular consequence: missense variant. On other transcripts: non-coding transcript variant (1).
Genome position (GRCh38, 1-based): chr19:50,413,851, C>T. VCF-style: chr19-50413851-C-T. GRCh37 (hg19) VCF-style: chr19-50917108-C-T.
Other names: c.2360C>T, p.Pro787Leu (NM_001256849.1); c.2438C>T, p.Pro813Leu (NM_001308632.1); c.2360C>T (NM_002691.2); short protein forms P787L, P813L.
Identifiers: ClinVar variation 246453 (VCV000246453.14), dbSNP rs199783227, ClinGen allele CA9596492.

ClinVar aggregate classification (germline): Conflicting classifications of pathogenicity. Review status: criteria provided, conflicting classifications (1 of 4 stars). 5 submissions from 5 submitters: Uncertain significance (3); Likely benign (1). 1 of the submissions does not count toward it. Last evaluated 2025-12-24.

Conditions:
POLD1-related polyposis and colorectal cancer syndrome (CRCS10). Also called: COLORECTAL CANCER, SUSCEPTIBILITY TO, ON CHROMOSOME 19q; Colorectal cancer 10; Colorectal cancer, susceptibility to, 10. Identifiers: Orphanet 220460, MedGen C2675481, MONDO:0012953, OMIM 612591.
Immunodeficiency 120. Identifiers: MedGen C5935622, MONDO:0970994, OMIM 620836.
Mandibular hypoplasia-deafness-progeroid syndrome. Also called: Mandibular hypoplasia, deafness, progeroid features, and lipodystrophy syndrome. Identifiers: Orphanet 363649, MedGen C3715192, MONDO:0014157, OMIM 615381.
POLD1-related disorder. Also called: POLD1-related condition; POLD1-related disorders.
Hereditary cancer-predisposing syndrome. Also called: Hereditary Cancer Syndrome; Neoplastic Syndromes, Hereditary; Hereditary neoplastic syndrome; Tumor predisposition. Identifiers: Orphanet 140162, MedGen C0027672, MeSH D009386, MONDO:0015356.

Allele frequency attached by ClinVar (database versions not stated): ExAC 0.00001; gnomAD exomes 0.00002; TOPMed 0.00002; gnomAD 0.00003 and 0.00004.
gnomAD v4.1: 34 of 1,608,014 alleles (0.0021%); highest among the groups gnomAD compares: African/African-American, 0.0054%; no homozygotes.

Submissions (5):

Labcorp Genetics (formerly Invitae), Labcorp
Classification: Uncertain significance for POLD1-related polyposis and colorectal cancer syndrome. Last evaluated: 2025-12-24. Review status: criteria provided, single submitter. Criteria: Invitae Variant Classification Sherloc (09022015). Collection method: clinical testing. Allele origin: germline.
Comment: This sequence change replaces proline, which is neutral and non-polar, with leucine, which is neutral and non-polar, at codon 787 of the POLD1 protein (p.Pro787Leu). This variant is present in population databases (rs199783227, gnomAD 0.02%). This variant has not been reported in the literature in individuals affected with POLD1-related conditions. ClinVar contains an entry for this variant (Variation ID: 246453). Invitae Evidence Modeling of protein sequence and biophysical properties (such as structural, functional, and spatial information, amino acid conservation, physicochemical variation, residue mobility, and thermodynamic stability) indicates that this missense variant is not expected to disrupt POLD1 protein function with a negative predictive value of 80%. In summary, the available evidence is currently insufficient to determine the role of this variant in disease. Therefore, it has been classified as a Variant of Uncertain Significance.

Ambry Genetics
Classification: Likely benign for Hereditary cancer-predisposing syndrome. Last evaluated: 2024-12-28. Review status: criteria provided, single submitter. Criteria: Ambry Variant Classification Scheme 2023. Collection method: clinical testing. Allele origin: germline.

Fulgent Genetics
Classification: Uncertain significance for POLD1-related polyposis and colorectal cancer syndrome; Mandibular hypoplasia-deafness-progeroid syndrome; Immunodeficiency 120. Last evaluated: 2024-01-18. Review status: criteria provided, single submitter. Criteria: ACMG Guidelines, 2015. Collection method: clinical testing. Allele origin: germline.

GeneDx
Classification: Uncertain significance. Last evaluated: 2018-01-15. Review status: criteria provided, single submitter. Criteria: GeneDx Variant Classification (06012015). Collection method: clinical testing. Allele origin: germline. Affected: yes.
Comment: This variant is denoted POLD1 c.2360C>T at the cDNA level, p.Pro787Leu (P787L) at the protein level, and results in the change of a Proline to a Leucine (CCG>CTG). This variant has not, to our knowledge, been published in the literature as a germline variant; however, it has been reported as a somatic variant in a colorectal cancer and other cancer(s) of unspecified type (Palles 2013, Campbell 2017). POLD1 Pro787Leu was not observed at a significant allele frequency in large population cohorts (Lek 2016). This variant is located in the Polymerase domain (Preston 2010). In-silico analysis, which includes protein predictors and evolutionary conservation, supports that this variant does not alter protein structure/function. Based on currently available evidence, it is unclear whether POLD1 Pro787Leu is a pathogenic or benign variant. We consider it to be a variant of uncertain significance.

PreventionGenetics, part of Exact Sciences
Classification: Uncertain significance for POLD1-related condition. Last evaluated: 2023-11-05. Review status: no assertion criteria provided. Collection method: clinical testing. Allele origin: germline. Not counted in ClinVar's aggregate classification.
Comment: The POLD1 c.2360C>T variant is predicted to result in the amino acid substitution p.Pro787Leu. To our knowledge, this variant has not been reported as a germline variant in the literature. This variant is reported in 0.029% of alleles in individuals of European (Finnish) descent in gnomAD and is interpreted as uncertain significance in ClinVar. At this time, the clinical significance of this variant is uncertain due to the absence of conclusive functional and genetic evidence.